The following is an entry in ClinVar:

ClinVar aggregate classification (germline): Uncertain significance (1 of 4 stars; one submission).

Conditions:
Treacher Collins syndrome 1 (TCS1). Also called: TCOF1-Related Treacher Collins Syndrome. Identifiers: Orphanet 861, MedGen CN315775, MONDO:0007944, OMIM 154500.

Submission:

Labcorp Genetics (formerly Invitae), Labcorp
Classification: Uncertain significance for Treacher Collins syndrome 1. Last evaluated: 2025-09-13. Review status: criteria provided, single submitter. Criteria: Invitae Variant Classification Sherloc (09022015). Collection method: clinical testing. Allele origin: germline.
Comment: This sequence change replaces alanine, which is neutral and non-polar, with valine, which is neutral and non-polar, at codon 27 of the TCOF1 protein (p.Ala27Val). This variant is not present in population databases (gnomAD no frequency). This missense change has been observed in individual(s) with Treacher Collins syndrome (internal data). Invitae Evidence Modeling of protein sequence and biophysical properties (such as structural, functional, and spatial information, amino acid conservation, physicochemical variation, residue mobility, and thermodynamic stability) indicates that this missense variant is not expected to disrupt TCOF1 protein function with a negative predictive value of 80%. This variant disrupts the p.Ala27 amino acid residue in TCOF1. Other variant(s) that disrupt this residue have been observed in individuals with TCOF1-related conditions (PMID: 22317976; internal data), which suggests that this may be a clinically significant amino acid residue. In summary, the available evidence is currently insufficient to determine the role of this variant in disease. Therefore, it has been classified as a Variant of Uncertain Significance.

Literature cited by the submitters: PubMed 22317976.

NM_001371623.1(TCOF1):c.80C>T (p.Ala27Val)

Gene: TCOF1 (treacle ribosome biogenesis factor 1; plus strand). Cytogenetic location: 5q32.
Variant type: single nucleotide variant.
Coding change: c.80C>T on transcript NM_001371623.1 (MANE Select); coding-DNA position 80, C replaced by T.
Protein change: p.Ala27Val; replaces alanine 27 with valine.
Molecular consequence: missense variant.
Genome position (GRCh38, 1-based): chr5:150,357,826, C>T. VCF-style: chr5-150357826-C-T. GRCh37 (hg19) VCF-style: chr5-149737389-C-T.
Other names: c.80C>T, p.Ala27Val (NM_000356.4, NM_001008657.3, NM_001135243.2 and 4 more transcripts); short protein forms A27V.
Identifiers: ClinVar variation 4741580 (VCV004741580.1).
Genomic context (GRCh38, chr5:150,357,826, plus strand): 5'-GGCGGGAGCTACTTCCCCTGATCTACCACCATCTGCTGCGGGCTGGCTATGTGCGTGCGG[C>T]GCGGGAAGTGAAGGAGCAGAGCGGCCAGGTAAGCGTTCGTGGGCCGTGTGCGAGGGCCGC-3'
Protein context (NP_001358552.1, residues 17-37): HLLRAGYVRA[Ala27Val]REVKEQSGQK